The following is an entry in ClinVar:

NM_182961.4(SYNE1):c.6444A>C (p.Lys2148Asn)

Gene: SYNE1 (spectrin repeat containing nuclear envelope protein 1; minus strand). Cytogenetic location: 6q25.2.
Variant type: single nucleotide variant.
Coding change: c.6444A>C on transcript NM_182961.4 (MANE Select); coding-DNA position 6444, A replaced by C.
Protein change: p.Lys2148Asn; replaces lysine 2148 with asparagine.
Molecular consequence: missense variant.
Genome position (GRCh38, 1-based): chr6:152,409,164, T>G on the plus strand (A>C on the coding strand, the complement: SYNE1 is on the minus strand). VCF-style: chr6-152409164-T-G. GRCh37 (hg19) VCF-style: chr6-152730299-T-G.
Other names: c.6465A>C, p.Lys2155Asn (NM_033071.5); short protein forms K2148N, K2155N.
Identifiers: ClinVar variation 1967838 (VCV001967838.5), dbSNP rs763120952, ClinGen allele CA4058066.
Genomic context (GRCh38, chr6:152,409,164, plus strand): 5'-TTTCACCAAGCTGAAATCACTACTGTGAATTTTCTTCAGCTCAGATAACAAGTGTTTTCC[T>G]TTGCTGGTAAAGTTATCCAAGTCTTTCTGTTTGTAATTCATTTTGTTCTTGGCAGTTTCA-3'
Protein context (NP_892006.3, residues 2138-2158): KQKDLDNFTS[Lys2148Asn]GKHLLSELKK

ClinVar aggregate classification (germline): Uncertain significance (1 of 4 stars; one submission).

Conditions:
Emery-Dreifuss muscular dystrophy 4, autosomal dominant (EDMD4). Also called: EMERY-DREIFUSS MUSCULAR DYSTROPHY 4 WITH VARIABLE FEATURES. Identifiers: Orphanet 261, MedGen C2751807, MONDO:0013071, OMIM 612998.
Autosomal recessive ataxia, Beauce type. Also called: SYNE1 Deficiency; Spinocerebellar ataxia, autosomal recessive 8; ATAXIA, RECESSIVE, OF BEAUCE; SYNE1-Related Autosomal Recessive Cerebellar Ataxia. Identifiers: Orphanet 88644, MedGen C1853116, MONDO:0012549, OMIM 610743.

Allele frequency attached by ClinVar (database versions not stated): gnomAD exomes 0.00001; ExAC 0.00004.
gnomAD v4.1: 6 of 1,614,176 alleles (0.00037%); highest among the groups gnomAD compares: Admixed American, 0.01%; no homozygotes.

Submission:

Labcorp Genetics (formerly Invitae), Labcorp
Classification: Uncertain significance for Emery-Dreifuss muscular dystrophy 4, autosomal dominant; Autosomal recessive ataxia, Beauce type. Last evaluated: 2022-10-12. Review status: criteria provided, single submitter. Criteria: Invitae Variant Classification Sherloc (09022015). Collection method: clinical testing. Allele origin: germline.
Comment: This sequence change replaces lysine, which is basic and polar, with asparagine, which is neutral and polar, at codon 2155 of the SYNE1 protein (p.Lys2155Asn). In summary, the available evidence is currently insufficient to determine the role of this variant in disease. Therefore, it has been classified as a Variant of Uncertain Significance. Algorithms developed to predict the effect of missense changes on protein structure and function (SIFT, PolyPhen-2, Align-GVGD) all suggest that this variant is likely to be disruptive. This variant has not been reported in the literature in individuals affected with SYNE1-related conditions. This variant is present in population databases (rs763120952, gnomAD 0.02%).